The following is an entry in ClinVar:

NM_001174150.2(ARL13B):c.362C>T (p.Ser121Leu)

Gene: ARL13B (ARF like GTPase 13B; plus strand). Cytogenetic location: 3q11.2.
Variant type: single nucleotide variant.
Coding change: c.362C>T on transcript NM_001174150.2 (MANE Select); coding-DNA position 362, C replaced by T.
Protein change: p.Ser121Leu; replaces serine 121 with leucine.
Molecular consequence: missense variant. On other transcripts: intron variant (1).
Genome position (GRCh38, 1-based): chr3:94,003,890, C>T. VCF-style: chr3-94003890-C-T. GRCh37 (hg19) VCF-style: chr3-93722734-C-T.
Other names: c.53C>T, p.Ser18Leu (NM_001174151.2); c.317C>T, p.Ser106Leu (NM_001321328.2); c.362C>T, p.Ser121Leu (NM_001410782.1, NM_182896.3); c.59+23408C>T (NM_144996.4); short protein forms S18L, S121L, S106L.
Identifiers: ClinVar variation 2123318 (VCV002123318.4), dbSNP rs887056386, ClinGen allele CA78520135.
Genomic context (GRCh38, chr3:94,003,890, plus strand): 5'-AAGAGAGAATGGAAGAGACAAAAGAGGCTATGTCAGAAATGCTAAGACATCCTAGGATAT[C>T]GGGAAAGCCTATATTGGTGTAAGTAATGTTAGCATCATTGTAAATGTAGGGACGATGGCA-3'
Protein context (NP_001167621.1, residues 111-131): MSEMLRHPRI[Ser121Leu]GKPILVLANK

ClinVar aggregate classification (germline): Uncertain significance (1 of 4 stars; one submission).

Conditions:
Joubert syndrome 8 (JBTS8). Identifiers: Orphanet 475, MedGen C2676771, MONDO:0012855, OMIM 612291.

Allele frequency attached by ClinVar (database versions not stated): gnomAD exomes below 0.00001; gnomAD 0.00001; TOPMed 0.00001.
gnomAD v4.1: 5 of 1,613,040 alleles (0.00031%); highest among the groups gnomAD compares: East Asian, 0.0022%; no homozygotes.

Submission:

Labcorp Genetics (formerly Invitae), Labcorp
Classification: Uncertain significance for Joubert syndrome 8. Last evaluated: 2022-07-01. Review status: criteria provided, single submitter. Criteria: Invitae Variant Classification Sherloc (09022015). Collection method: clinical testing. Allele origin: germline.
Comment: In summary, the available evidence is currently insufficient to determine the role of this variant in disease. Therefore, it has been classified as a Variant of Uncertain Significance. Algorithms developed to predict the effect of missense changes on protein structure and function are either unavailable or do not agree on the potential impact of this missense change (SIFT: "Tolerated"; PolyPhen-2: "Probably Damaging"; Align-GVGD: "Class C0"). This variant has not been reported in the literature in individuals affected with ARL13B-related conditions. This variant is present in population databases (no rsID available, gnomAD 0.006%). This sequence change replaces serine, which is neutral and polar, with leucine, which is neutral and non-polar, at codon 121 of the ARL13B protein (p.Ser121Leu).